The following is an entry in ClinVar:

ClinVar aggregate classification (germline): Benign (1 of 4 stars; one submission).

Allele frequency attached by ClinVar (database versions not stated): 1000 Genomes Project 0.41813; 1000 Genomes Project 30x 0.41818; gnomAD 0.42347 and 0.42816; TOPMed 0.43386.
gnomAD v4.1: 65,302 of 152,046 alleles (43%); highest among the groups gnomAD compares: Admixed American, 53%; 14,926 homozygotes.

Submission:

GeneDx
Classification: Benign. Last evaluated: 2018-06-19. Review status: criteria provided, single submitter. Criteria: GeneDx Variant Classification (06012015). Collection method: clinical testing. Allele origin: germline. Affected: yes.
Comment: This variant is considered likely benign or benign based on one or more of the following criteria: it is a conservative change, it occurs at a poorly conserved position in the protein, it is predicted to be benign by multiple in silico algorithms, and/or has population frequency not consistent with disease.

NM_177924.5(ASAH1):c.125+2051T>C

Gene: ASAH1 (N-acylsphingosine amidohydrolase 1; minus strand). Cytogenetic location: 8p22.
Variant type: single nucleotide variant.
Coding change: c.125+2051T>C on transcript NM_177924.5 (MANE Select); 2051 bases into the intron after coding-DNA position 125, T replaced by C.
Molecular consequence: intron variant.
Genome position (GRCh38, 1-based): chr8:18,073,490, A>G on the plus strand (T>C on the coding strand, the complement: ASAH1 is on the minus strand). VCF-style: chr8-18073490-A-G. GRCh37 (hg19) VCF-style: chr8-17930999-A-G.
Other names: c.173+2051T>C (NM_004315.6); c.174-214T>C (NM_001127505.3); c.-71+2051T>C (NM_001363743.2).
Identifiers: ClinVar variation 678021 (VCV000678021.1), dbSNP rs3753116, ClinGen allele CA12890776.